The following is an entry in ClinVar:

NM_018112.3(TMEM38B):c.589C>G (p.His197Asp)

Gene: TMEM38B (transmembrane protein 38B; plus strand). Cytogenetic location: 9q31.2.
Variant type: single nucleotide variant.
Coding change: c.589C>G on transcript NM_018112.3 (MANE Select); coding-DNA position 589, C replaced by G.
Protein change: p.His197Asp; replaces histidine 197 with aspartic acid.
Molecular consequence: missense variant.
Genome position (GRCh38, 1-based): chr9:105,748,119, C>G. VCF-style: chr9-105748119-C-G. GRCh37 (hg19) VCF-style: chr9-108510400-C-G.
Other names: short protein forms H197D.
Identifiers: ClinVar variation 1487478 (VCV001487478.8), dbSNP rs774353565, ClinGen allele CA5170937.

ClinVar aggregate classification (germline): Uncertain significance (1 of 4 stars; one submission).

Allele frequency attached by ClinVar (database versions not stated): ExAC 0.00001; gnomAD exomes 0.00001.
gnomAD v4.1: 3 of 1,613,582 alleles (0.00019%); highest among the groups gnomAD compares: Admixed American, 0.0033%; no homozygotes.

Submission:

Labcorp Genetics (formerly Invitae), Labcorp
Classification: Uncertain significance. Last evaluated: 2025-04-21. Review status: criteria provided, single submitter. Criteria: Invitae Variant Classification Sherloc (09022015). Collection method: clinical testing. Allele origin: germline.
Comment: This sequence change replaces histidine, which is basic and polar, with aspartic acid, which is acidic and polar, at codon 197 of the TMEM38B protein (p.His197Asp). This variant is present in population databases (rs774353565, gnomAD 0.006%). This variant has not been reported in the literature in individuals affected with TMEM38B-related conditions. ClinVar contains an entry for this variant (Variation ID: 1487478). An algorithm developed to predict the effect of missense changes on protein structure and function (PolyPhen-2) suggests that this variant is likely to be disruptive. In summary, the available evidence is currently insufficient to determine the role of this variant in disease. Therefore, it has been classified as a Variant of Uncertain Significance.